The following is an entry in ClinVar:

ClinVar aggregate classification (germline): Pathogenic/Likely pathogenic. Review status: no assertion criteria provided (0 of 4 stars). 2 submissions from 2 submitters: Pathogenic (1); Likely pathogenic (1). Last evaluated 2018-09-10.

Conditions:
Deafness. Identifiers: MedGen C0011053, HP:0000365.
Hearing loss, autosomal recessive. Also called: Rare autosomal recessive non-syndromic sensorineural deafness type DFNB; Nonsyndromic Hearing Loss, Recessive; Deafness, autosomal recessive; Autosomal recessive nonsyndromic deafness. Identifiers: Orphanet 90635, Orphanet 90636, MedGen C1846647, MONDO:0019588, OMIM 607197.

Submissions (2):

Center for Statistical Genetics, Columbia University
Classification: Pathogenic for Deafness. Last evaluated: 2018-09-10. Review status: no assertion criteria provided. Collection method: research. Allele origin: inherited. Affected: yes.
Comment: Autosomal recessive

University of Washington Center for Mendelian Genomics, University of Washington
Classification: Likely pathogenic for non-syndromic autosomal recessive hearing loss. Review status: no assertion criteria provided. Collection method: research. Allele origin: inherited. Affected: yes.

Literature cited by the submitters: PubMed 30303587 (cited by University of Washington Center for Mendelian Genomics, University of Washington).

NM_001042702.5(PJVK):c.158C>G (p.Ser53Ter)

Gene: PJVK (pejvakin; plus strand). Cytogenetic location: 2q31.2.
Variant type: single nucleotide variant.
Coding change: c.158C>G on transcript NM_001042702.5 (MANE Select); coding-DNA position 158, C replaced by G.
Protein change: p.Ser53Ter; replaces serine 53 with a stop codon.
Molecular consequence: nonsense. On other transcripts: 5 prime UTR variant (2).
Genome position (GRCh38, 1-based): chr2:178,453,567, C>G. VCF-style: chr2-178453567-C-G. GRCh37 (hg19) VCF-style: chr2-179318294-C-G.
Other names: c.167C>G, p.Ser56Ter (NM_001353775.2); c.263C>G, p.Ser88Ter (NM_001353776.2); c.-320C>G (NM_001353777.1, NM_001353778.2); c.158C>G, p.Ser53Ter (NM_001369912.1); short protein forms S53*, S88*, S56*.
Identifiers: ClinVar variation 560903 (VCV000560903.2), dbSNP rs538027448, ClinGen allele CA349397434.
Genomic context (GRCh38, chr2:178,453,567, plus strand): 5'-CTCTAAGTCTGGTGGTAAAAAAGAAGCGATGCTTTCTGTTTCCTAGATATAAATTTACTT[C>G]AACACCTTTTACACTGAAAGATATTCTCCTAGGAGACAGAGAAATTTCAGCTGGTAAGTT-3'